The following is an entry in ClinVar:

ClinVar aggregate classification (germline): Uncertain significance. Review status: criteria provided, multiple submitters, no conflicts (2 of 4 stars). 3 submissions from 3 submitters: Uncertain significance (3). Last evaluated 2024-01-30.

Conditions:
Infantile-onset ascending hereditary spastic paralysis (IAHSP). Also called: Infantile-Onset Ascending Hereditary Spastic Paralysis (IAHSP); Autosomal Recessive Juvenile Amyotrophic Lateral Sclerosis. Identifiers: Orphanet 293168, MedGen C2931441, MONDO:0011797, OMIM 607225. Disease mechanism: loss of function.
Inborn genetic diseases. Identifiers: MedGen C0950123, MeSH D030342.

Allele frequency attached by ClinVar (database versions not stated): ExAC 0.00001; gnomAD exomes 0.00001; gnomAD 0.00002; TOPMed 0.00002.
gnomAD v4.1: 17 of 1,613,738 alleles (0.0011%); highest among the groups gnomAD compares: East Asian, 0.0067%; no homozygotes.

Submissions (3):

Ambry Genetics
Classification: Uncertain significance for Inborn genetic diseases. Last evaluated: 2024-01-30. Review status: criteria provided, single submitter. Criteria: Ambry Variant Classification Scheme 2023. Collection method: clinical testing. Allele origin: germline.

Labcorp Genetics (formerly Invitae), Labcorp
Classification: Uncertain significance for Infantile-onset ascending hereditary spastic paralysis. Last evaluated: 2022-07-12. Review status: criteria provided, single submitter. Criteria: Invitae Variant Classification Sherloc (09022015). Collection method: clinical testing. Allele origin: germline.
Comment: This sequence change replaces proline, which is neutral and non-polar, with leucine, which is neutral and non-polar, at codon 1382 of the ALS2 protein (p.Pro1382Leu). This variant is present in population databases (rs377174814, gnomAD 0.003%). This variant has not been reported in the literature in individuals affected with ALS2-related conditions. ClinVar contains an entry for this variant (Variation ID: 937314). Algorithms developed to predict the effect of missense changes on protein structure and function (SIFT, PolyPhen-2, Align-GVGD) all suggest that this variant is likely to be disruptive. In summary, the available evidence is currently insufficient to determine the role of this variant in disease. Therefore, it has been classified as a Variant of Uncertain Significance.

Blueprint Genetics
Classification: Uncertain significance. Last evaluated: 2018-11-03. Review status: criteria provided, single submitter. Criteria: ACMG Guidelines, 2015. Collection method: clinical testing. Allele origin: germline.

NM_020919.4(ALS2):c.4145C>T (p.Pro1382Leu)

Gene: ALS2 (alsin Rho guanine nucleotide exchange factor ALS2; minus strand). Cytogenetic location: 2q33.1.
Variant type: single nucleotide variant.
Coding change: c.4145C>T on transcript NM_020919.4 (MANE Select); coding-DNA position 4145, C replaced by T.
Protein change: p.Pro1382Leu; replaces proline 1382 with leucine.
Molecular consequence: missense variant.
Genome position (GRCh38, 1-based): chr2:201,710,016, G>A on the plus strand (C>T on the coding strand, the complement: ALS2 is on the minus strand). VCF-style: chr2-201710016-G-A. GRCh37 (hg19) VCF-style: chr2-202574739-G-A.
Other names: short protein forms P1382L.
Identifiers: ClinVar variation 937314 (VCV000937314.10), dbSNP rs377174814, ClinGen allele CA2057651.